The following is an entry in ClinVar:

NM_173560.4(RFX6):c.695C>T (p.Ser232Leu)

Gene: RFX6 (regulatory factor X6; plus strand). Cytogenetic location: 6q22.1.
Variant type: single nucleotide variant.
Coding change: c.695C>T on transcript NM_173560.4 (MANE Select); coding-DNA position 695, C replaced by T.
Protein change: p.Ser232Leu; replaces serine 232 with leucine.
Molecular consequence: missense variant.
Genome position (GRCh38, 1-based): chr6:116,910,957, C>T. VCF-style: chr6-116910957-C-T. GRCh37 (hg19) VCF-style: chr6-117232120-C-T.
Other names: short protein forms S232L.
Identifiers: ClinVar variation 1031718 (VCV001031718.3), dbSNP rs780273514, ClinGen allele CA3973117.

ClinVar aggregate classification (germline): Uncertain significance. Review status: criteria provided, multiple submitters, no conflicts (2 of 4 stars). 2 submissions from 2 submitters: Uncertain significance (2). Last evaluated 2022-04-06.

Conditions:
Hypoplastic pancreas-intestinal atresia-hypoplastic gallbalder syndrome. Also called: DIABETES, NEONATAL, WITH PANCREATIC HYPOPLASIA, INTESTINAL ATRESIA, AND GALLBLADDER APLASIA OR HYPOPLASIA; Mitchell-Riley syndrome. Identifiers: Orphanet 293864, MedGen C2748662, MONDO:0017400, OMIM 615710.

Allele frequency attached by ClinVar (database versions not stated): gnomAD exomes 0.00005 and 0.00015; TOPMed 0.00005; ExAC 0.00017; gnomAD 0.00003; 1000 Genomes Project 30x 0.00016.
gnomAD v4.1: 84 of 1,613,264 alleles (0.0052%); highest among the groups gnomAD compares: Admixed American, 0.055%; 1 homozygote.

Submissions (2):

Labcorp Genetics (formerly Invitae), Labcorp
Classification: Uncertain significance. Last evaluated: 2022-04-06. Review status: criteria provided, single submitter. Criteria: Invitae Variant Classification Sherloc (09022015). Collection method: clinical testing. Allele origin: germline.
Comment: This sequence change replaces serine, which is neutral and polar, with leucine, which is neutral and non-polar, at codon 232 of the RFX6 protein (p.Ser232Leu). This variant is present in population databases (rs780273514, gnomAD 0.06%). This variant has not been reported in the literature in individuals affected with RFX6-related conditions. ClinVar contains an entry for this variant (Variation ID: 1031718). Algorithms developed to predict the effect of missense changes on protein structure and function are either unavailable or do not agree on the potential impact of this missense change (SIFT: "Deleterious"; PolyPhen-2: "Probably Damaging"; Align-GVGD: "Class C0"). In summary, the available evidence is currently insufficient to determine the role of this variant in disease. Therefore, it has been classified as a Variant of Uncertain Significance.

Baylor Genetics
Classification: Uncertain significance for Hypoplastic pancreas-intestinal atresia-hypoplastic gallbalder syndrome. Last evaluated: 2018-02-22. Review status: criteria provided, single submitter. Criteria: ACMG Guidelines, 2015. Collection method: clinical testing. Allele origin: paternal. Affected: yes.
Comment: This variant was determined to be of uncertain significance according to ACMG Guidelines, 2015 [PMID:25741868].